The following is an entry in ClinVar:

NM_152564.5(VPS13B):c.5372A>T (p.Gln1791Leu)

Gene: VPS13B (vacuolar protein sorting 13 homolog B; plus strand). Cytogenetic location: 8q22.2.
Variant type: single nucleotide variant.
Coding change: c.5372A>T on transcript NM_152564.5 (MANE Select); coding-DNA position 5372, A replaced by T.
Protein change: p.Gln1791Leu; replaces glutamine 1791 with leucine.
Molecular consequence: missense variant.
Genome position (GRCh38, 1-based): chr8:99,641,962, A>T. VCF-style: chr8-99641962-A-T. GRCh37 (hg19) VCF-style: chr8-100654190-A-T.
Other names: c.5447A>T, p.Gln1816Leu (NM_017890.5); short protein forms Q1816L, Q1791L.
Identifiers: ClinVar variation 1501748 (VCV001501748.8), dbSNP rs2133931614, ClinGen allele CA371872413.
Genomic context (GRCh38, chr8:99,641,962, plus strand): 5'-TTGGCAGTGACAGTGTTAAAATCAGAATAGTGCAAATAGAGCAGCACAGTGGTGCCAGTC[A>T]GCATCGCATTGCCCGTCCCTCACGCCAGTCATCAATTGTAAAAAATCTAAATTTTATTCC-3'
Protein context (NP_689777.3, residues 1781-1801): VQIEQHSGAS[Gln1791Leu]HRIARPSRQS

ClinVar aggregate classification (germline): Uncertain significance (1 of 4 stars; one submission).

Conditions:
Cohen syndrome (COH1). Also called: Cutis verticis gyrata, retinitis pigmentosa, and sensorineural deafness; PEPPER SYNDROME. Identifiers: Orphanet 193, MedGen C0265223, MONDO:0008999, OMIM 216550.

Submission:

Labcorp Genetics (formerly Invitae), Labcorp
Classification: Uncertain significance for Cohen syndrome. Last evaluated: 2022-02-17. Review status: criteria provided, single submitter. Criteria: Invitae Variant Classification Sherloc (09022015). Collection method: clinical testing. Allele origin: germline.
Comment: In summary, the available evidence is currently insufficient to determine the role of this variant in disease. Therefore, it has been classified as a Variant of Uncertain Significance. Algorithms developed to predict the effect of missense changes on protein structure and function are either unavailable or do not agree on the potential impact of this missense change (SIFT: "Not Available"; PolyPhen-2: "Possibly Damaging"; Align-GVGD: "Not Available"). This variant has not been reported in the literature in individuals affected with VPS13B-related conditions. This variant is not present in population databases (gnomAD no frequency). This sequence change replaces glutamine, which is neutral and polar, with leucine, which is neutral and non-polar, at codon 1816 of the VPS13B protein (p.Gln1816Leu).